The following is an entry in ClinVar:

NM_001291867.2(NHS):c.517G>A (p.Gly173Ser)

Gene: NHS (NHS actin remodeling regulator; plus strand). Cytogenetic location: Xp22.2.
Variant type: single nucleotide variant.
Coding change: c.517G>A on transcript NM_001291867.2 (MANE Select); coding-DNA position 517, G replaced by A.
Protein change: p.Gly173Ser; replaces glycine 173 with serine.
Molecular consequence: missense variant.
Genome position (GRCh38, 1-based): chrX:17,376,274, G>A. VCF-style: chrX-17376274-G-A. GRCh37 (hg19) VCF-style: chrX-17394397-G-A.
Other names: c.517G>A, p.Gly173Ser (NM_198270.4); short protein forms G173S.
Identifiers: ClinVar variation 1992453 (VCV001992453.4), dbSNP rs2519620516, ClinGen allele CA412484913.

ClinVar aggregate classification (germline): Uncertain significance (1 of 4 stars; one submission).

Conditions:
Nance-Horan syndrome (NHS). Identifiers: Orphanet 627, MedGen C0796085, MONDO:0010545, OMIM 302350.

Submission:

Labcorp Genetics (formerly Invitae), Labcorp
Classification: Uncertain significance for Nance-Horan syndrome. Last evaluated: 2024-12-09. Review status: criteria provided, single submitter. Criteria: Invitae Variant Classification Sherloc (09022015). Collection method: clinical testing. Allele origin: germline.
Comment: This sequence change replaces glycine, which is neutral and non-polar, with serine, which is neutral and polar, at codon 173 of the NHS protein (p.Gly173Ser). This variant is not present in population databases (gnomAD no frequency). This variant has not been reported in the literature in individuals affected with NHS-related conditions. ClinVar contains an entry for this variant (Variation ID: 1992453). An algorithm developed to predict the effect of missense changes on protein structure and function outputs the following: PolyPhen-2: "Benign". The serine amino acid residue is found in multiple mammalian species, which suggests that this missense change does not adversely affect protein function. In summary, the available evidence is currently insufficient to determine the role of this variant in disease. Therefore, it has been classified as a Variant of Uncertain Significance.